The following is an entry in ClinVar:

NM_001029883.3(PCARE):c.2481C>T (p.Leu827=)

Gene: PCARE (photoreceptor cilium actin regulator; minus strand). Cytogenetic location: 2p23.2.
Variant type: single nucleotide variant.
Coding change: c.2481C>T on transcript NM_001029883.3 (MANE Select); coding-DNA position 2481, C replaced by T.
Protein change: p.Leu827=; no amino-acid change (leucine 827 retained).
Molecular consequence: synonymous variant.
Genome position (GRCh38, 1-based): chr2:29,071,781, G>A on the plus strand (C>T on the coding strand, the complement: PCARE is on the minus strand). VCF-style: chr2-29071781-G-A. GRCh37 (hg19) VCF-style: chr2-29294647-G-A.
Other names: c.2481C>T (NM_001029883.2).
Identifiers: ClinVar variation 2053236 (VCV002053236.5), dbSNP rs780530708, ClinGen allele CA1592196.
Genomic context (GRCh38, chr2:29,071,781, plus strand): 5'-CTCCAGAGAAGCGAATGATTTGTCCATCAGAACTTCCATAGGCGGTGGAGGGAGGTGCTC[G>A]AGGTTCCCCTCCATTTCACAGCTGAGCTCCTCACTCTTGGCTGCTTCTGCTTTAGGCAGA-3'
Protein context (NP_001025054.1, residues 817-837): EELSCEMEGN[Leu827=]EHLPPPPMEV

ClinVar aggregate classification (germline): Likely benign. Review status: criteria provided, multiple submitters, no conflicts (2 of 4 stars). 2 submissions from 2 submitters: Likely benign (2). Last evaluated 2025-05-30.

Conditions:
PCARE-related disorder. Also called: PCARE-related condition.

gnomAD v4.1: 6 of 1,613,616 alleles (0.00037%); highest among the groups gnomAD compares: Admixed American, 0.0017%; no homozygotes.

Submissions (2):

Labcorp Genetics (formerly Invitae), Labcorp
Classification: Likely benign. Last evaluated: 2025-05-30. Review status: criteria provided, single submitter. Criteria: Invitae Variant Classification Sherloc (09022015). Collection method: clinical testing. Allele origin: germline.

PreventionGenetics, part of Exact Sciences
Classification: Likely benign for PCARE-related condition. Last evaluated: 2025-03-01. Review status: criteria provided, single submitter. Criteria: ACMG Guidelines, 2015. Collection method: clinical testing. Allele origin: germline.
Comment: This variant is classified as likely benign based on ACMG/AMP sequence variant interpretation guidelines (Richards et al. 2015 PMID: 25741868, with internal and published modifications).